The following is an entry in ClinVar:

NM_000431.4(MVK):c.79_226del (p.Val27Serfs)

Gene: MVK (mevalonate kinase; plus strand).
Variant type: Deletion.
Coding change: c.79_226del on transcript NM_000431.4; coding-DNA positions 79 to 226, 148 bases deleted.
Protein change: p.Val27Serfs; shifts the reading frame from valine 27.
Identifiers: ClinVar variation 97628 (VCV000097628.1).

ClinVar aggregate classification (germline): not provided (0 of 4 stars; one submission).

Conditions:
Hyperimmunoglobulin D with periodic fever (HIDS). Also called: HYPERIMMUNOGLOBULINEMIA D AND PERIODIC FEVER SYNDROME; Hyperimmunoglobulinemia D; Hyperimmunoglobulinemia D with periodic fever. Identifiers: Orphanet 343, MedGen C0398691, MONDO:0009849, OMIM 260920.

Submission:

Unité médicale des maladies autoinflammatoires, CHRU Montpellier
No classification provided. Condition: Hyperimmunoglobulin D with periodic fever. Review status: no classification provided. Collection method: not provided. Allele origin: unknown.
Comment: also involved in OMIM 25117